The following is an entry in ClinVar:

ClinVar aggregate classification (germline): Uncertain significance (1 of 4 stars; one submission).

Conditions:
Tumor predisposition syndrome 3 (TPDS3). Also called: Melanoma, cutaneous malignant, susceptibility to, 10; Glioma susceptibility 9; LONG TELOMERE SYNDROME, POT1-RELATED; POT1 Tumor Predisposition. Identifiers: Orphanet 618, MedGen C4014476, MONDO:0014368, OMIM 615848.

Submission:

Labcorp Genetics (formerly Invitae), Labcorp
Classification: Uncertain significance for Tumor predisposition syndrome 3. Last evaluated: 2024-02-15. Review status: criteria provided, single submitter. Criteria: Invitae Variant Classification Sherloc (09022015). Collection method: clinical testing. Allele origin: germline.
Comment: This sequence change replaces aspartic acid, which is acidic and polar, with glutamic acid, which is acidic and polar, at codon 577 of the POT1 protein (p.Asp577Glu). This variant is not present in population databases (gnomAD no frequency). This variant has not been reported in the literature in individuals affected with POT1-related conditions. Advanced modeling of protein sequence and biophysical properties (such as structural, functional, and spatial information, amino acid conservation, physicochemical variation, residue mobility, and thermodynamic stability) performed at Invitae indicates that this missense variant is not expected to disrupt POT1 protein function with a negative predictive value of 80%. In summary, the available evidence is currently insufficient to determine the role of this variant in disease. Therefore, it has been classified as a Variant of Uncertain Significance.

NM_015450.3(POT1):c.1731T>A (p.Asp577Glu)

Gene: POT1 (protection of telomeres 1; minus strand). Cytogenetic location: 7q31.33.
Variant type: single nucleotide variant.
Coding change: c.1731T>A on transcript NM_015450.3 (MANE Select); coding-DNA position 1731, T replaced by A.
Protein change: p.Asp577Glu; replaces aspartic acid 577 with glutamic acid.
Molecular consequence: missense variant. On other transcripts: non-coding transcript variant (3).
Genome position (GRCh38, 1-based): chr7:124,825,313, A>T on the plus strand (T>A on the coding strand, the complement: POT1 is on the minus strand). VCF-style: chr7-124825313-A-T. GRCh37 (hg19) VCF-style: chr7-124465367-A-T.
Other names: c.1338T>A, p.Asp446Glu (NM_001042594.2); short protein forms D446E, D577E.
Identifiers: ClinVar variation 3641082 (VCV003641082.2).